The following is an entry in ClinVar:

ClinVar aggregate classification (germline): Uncertain significance (1 of 4 stars; one submission).

gnomAD v4.1: 3 of 1,606,650 alleles (0.00019%); highest among the groups gnomAD compares: African/African-American, 0.004%; no homozygotes.

Submission:

GeneDx
Classification: Uncertain significance. Last evaluated: 2024-10-08. Review status: criteria provided, single submitter. Criteria: GeneDx Variant Classification Process June 2021. Collection method: clinical testing. Allele origin: germline. Affected: yes.
Comment: Not observed at significant frequency in large population cohorts (gnomAD); In silico analysis indicates that this missense variant does not alter protein structure/function; Has not been previously published as pathogenic or benign to our knowledge

NM_001113491.2(SEPTIN9):c.502C>G (p.Pro168Ala)

Gene: SEPTIN9 (septin 9; plus strand). Cytogenetic location: 17q25.3.
Variant type: single nucleotide variant.
Coding change: c.502C>G on transcript NM_001113491.2 (MANE Select); coding-DNA position 502, C replaced by G.
Protein change: p.Pro168Ala; replaces proline 168 with alanine.
Molecular consequence: missense variant.
Genome position (GRCh38, 1-based): chr17:77,402,484, C>G. VCF-style: chr17-77402484-C-G. GRCh37 (hg19) VCF-style: chr17-75398566-C-G.
Other names: c.10C>G, p.Pro4Ala (NM_001113492.2, NM_001113494.1); c.481C>G, p.Pro161Ala (NM_001113493.2); c.445C>G, p.Pro149Ala (NM_001293695.2); c.448C>G, p.Pro150Ala (NM_006640.5); short protein forms P149A, P150A, P161A, P168A, P4A.
Identifiers: ClinVar variation 3777611 (VCV003777611.1).